The following is an entry in ClinVar:

NM_012431.3(SEMA3E):c.1189T>C (p.Tyr397His)

Gene: SEMA3E (semaphorin 3E; minus strand). Cytogenetic location: 7q21.11.
Variant type: single nucleotide variant.
Coding change: c.1189T>C on transcript NM_012431.3 (MANE Select); coding-DNA position 1189, T replaced by C.
Protein change: p.Tyr397His; replaces tyrosine 397 with histidine.
Molecular consequence: missense variant.
Genome position (GRCh38, 1-based): chr7:83,400,205, A>G on the plus strand (T>C on the coding strand, the complement: SEMA3E is on the minus strand). VCF-style: chr7-83400205-A-G. GRCh37 (hg19) VCF-style: chr7-83029521-A-G.
Other names: c.1009T>C, p.Tyr337His (NM_001178129.2); short protein forms Y337H, Y397H.
Identifiers: ClinVar variation 2637370 (VCV002637370.3), dbSNP rs2484305949, ClinGen allele CA367927785.

ClinVar aggregate classification (germline): Uncertain significance (0 of 4 stars; one submission).

Conditions:
SEMA3E-related disorder. Also called: SEMA3E-related condition.

Submission:

PreventionGenetics, part of Exact Sciences
Classification: Uncertain significance for SEMA3E-related condition. Last evaluated: 2024-01-25. Review status: no assertion criteria provided. Collection method: clinical testing. Allele origin: germline.
Comment: The SEMA3E c.1189T>C variant is predicted to result in the amino acid substitution p.Tyr397His. To our knowledge, this variant has not been reported in the literature or in a large population database, indicating this variant is rare. At this time, the clinical significance of this variant is uncertain due to the absence of conclusive functional and genetic evidence.